The following is an entry in ClinVar:

NM_000038.6(APC):c.646-10T>C

Gene: APC (APC regulator of Wnt signaling pathway; plus strand). Cytogenetic location: 5q22.2.
Variant type: single nucleotide variant.
Coding change: c.646-10T>C on transcript NM_000038.6 (MANE Select); 10 bases into the intron before coding-DNA position 646, T replaced by C.
Molecular consequence: intron variant.
Genome position (GRCh38, 1-based): chr5:112,792,436, T>C. VCF-style: chr5-112792436-T-C. GRCh37 (hg19) VCF-style: chr5-112128133-T-C.
Other names: c.-390-10T>C (NM_001407470.1, NM_001407472.1, NM_001354906.2 and 1 more transcripts); c.646-10T>C (NM_001407447.1, NM_001354895.2, NM_001407456.1 and 12 more transcripts); c.646-8843T>C (NM_001407452.1, NM_001407469.1, NM_001354899.2 and 1 more transcripts); c.676-10T>C (NM_001407446.1, NM_001354897.2, NM_001354902.2); c.676-8843T>C (NM_001127511.3); c.469-10T>C (NM_001407453.1, NM_001354900.2, NM_001354901.2 and 1 more transcripts); c.571-10T>C (NM_001407451.1, NM_001354898.2, NM_001354904.2).
Identifiers: ClinVar variation 3148776 (VCV003148776.1), dbSNP rs1759722947, ClinGen allele CA2825001306.
Genomic context (GRCh38, chr5:112,792,436, plus strand): 5'-CATAGTATGATTATTTCTATTAATATTATTAATAAAAACATAACTAATTAGGTTTCTTGT[T>C]TTATTTTAGCGAAGAATAGCCAGAATTCAGCAAATCGAAAAGGACATACTTCGTATACGA-3'

ClinVar aggregate classification (germline): Likely benign (1 of 4 stars; one submission).

Conditions:
Familial adenomatous polyposis 1 (FAP1). Also called: POLYPOSIS, ADENOMATOUS INTESTINAL; FAMILIAL ADENOMATOUS POLYPOSIS 1, ATTENUATED. Identifiers: MedGen C2713442, MONDO:0021056, OMIM 175100. Disease mechanism: loss of function.

Submission:

Myriad Genetics, Inc.
Classification: Likely benign for Familial adenomatous polyposis 1. Last evaluated: 2024-02-26. Review status: criteria provided, single submitter. Criteria: Myriad Autosomal Dominant, Autosomal Recessive and X-Linked Classification Criteria (2023). Collection method: clinical testing. Allele origin: unknown.
Comment: This variant is considered likely benign. This variant is intronic and is not expected to impact mRNA splicing.